The following is an entry in ClinVar:

ClinVar aggregate classification (germline): Uncertain significance. Review status: criteria provided, multiple submitters, no conflicts (2 of 4 stars). 2 submissions from 2 submitters: Uncertain significance (2). Last evaluated 2024-07-25.

Allele frequency attached by ClinVar (database versions not stated): TOPMed below 0.00001.

Submissions (2):

Blueprint Genetics
Classification: Uncertain significance. Last evaluated: 2024-07-25. Review status: criteria provided, single submitter. Criteria: ACMG Guidelines, 2015. Collection method: clinical testing. Allele origin: germline.

Labcorp Genetics (formerly Invitae), Labcorp
Classification: Uncertain significance. Last evaluated: 2021-02-12. Review status: criteria provided, single submitter. Criteria: Invitae Variant Classification Sherloc (09022015). Collection method: clinical testing. Allele origin: germline.
Comment: This sequence change replaces threonine with isoleucine at codon 672 of the CNGA1 protein (p.Thr672Ile). The threonine residue is moderately conserved and there is a moderate physicochemical difference between threonine and isoleucine. This variant is not present in population databases (ExAC no frequency). This variant has not been reported in the literature in individuals with CNGA1-related conditions. Algorithms developed to predict the effect of missense changes on protein structure and function (SIFT, PolyPhen-2, Align-GVGD) all suggest that this variant is likely to be tolerated, but these predictions have not been confirmed by published functional studies and their clinical significance is uncertain. In summary, the available evidence is currently insufficient to determine the role of this variant in disease. Therefore, it has been classified as a Variant of Uncertain Significance.

NM_001379270.1(CNGA1):c.2003C>T (p.Thr668Ile)

Genes: CNGA1 (cyclic nucleotide gated channel subunit alpha 1; minus strand), LOC101927157 (uncharacterized LOC101927157; plus strand). Cytogenetic location: 4p12.
Variant type: single nucleotide variant.
Coding change: c.2003C>T on transcript NM_001379270.1 (MANE Select); coding-DNA position 2003, C replaced by T.
Protein change: p.Thr668Ile; replaces threonine 668 with isoleucine.
Molecular consequence: missense variant.
Genome position (GRCh38, 1-based): chr4:47,936,479, G>A on the plus strand (C>T on the coding strand, the complement: CNGA1 is on the minus strand). VCF-style: chr4-47936479-G-A. GRCh37 (hg19) VCF-style: chr4-47938496-G-A.
Other names: c.2003C>T, p.Thr668Ile (NM_000087.5, NM_001142564.2); short protein forms T668I.
Identifiers: ClinVar variation 1371261 (VCV001371261.9), dbSNP rs763662167, ClinGen allele CA356822994.